The following is an entry in ClinVar:

ClinVar aggregate classification (germline): Likely benign (1 of 4 stars; one submission).

Allele frequency attached by ClinVar (database versions not stated): TOPMed 0.00005; ESP Exome Variant Server 0.00023; gnomAD 0.00005.

Submission:

CeGaT Center for Human Genetics Tuebingen
Classification: Likely benign. Last evaluated: 2023-12-01. Review status: criteria provided, single submitter. Criteria: CeGaT Center For Human Genetics Tuebingen Variant Classification Criteria Version 2. Collection method: clinical testing. Allele origin: germline. Affected: yes. Observed: 1 variant allele.
Comment: EXOSC5: BP4, BP7

NM_020158.4(EXOSC5):c.555G>C (p.Leu185=)

Gene: EXOSC5 (exosome component 5; minus strand). Cytogenetic location: 19q13.2.
Variant type: single nucleotide variant.
Coding change: c.555G>C on transcript NM_020158.4 (MANE Select); coding-DNA position 555, G replaced by C.
Protein change: p.Leu185=; no amino-acid change (leucine 185 retained).
Molecular consequence: synonymous variant.
Genome position (GRCh38, 1-based): chr19:41,387,574, C>G on the plus strand (G>C on the coding strand, the complement: EXOSC5 is on the minus strand). VCF-style: chr19-41387574-C-G. GRCh37 (hg19) VCF-style: chr19-41893479-C-G.
Identifiers: ClinVar variation 3026110 (VCV003026110.22), dbSNP rs370678317, ClinGen allele CA9460696.